The following is an entry in ClinVar:

ClinVar aggregate classification (germline): Uncertain significance (1 of 4 stars; one submission).

gnomAD v4.1: 5 of 1,609,306 alleles (0.00031%); highest among the groups gnomAD compares: South Asian, 0.0044%; no homozygotes.

Submission:

Ambry Genetics
Classification: Uncertain significance. Last evaluated: 2023-10-12. Review status: criteria provided, single submitter. Criteria: Ambry Variant Classification Scheme 2023. Collection method: clinical testing. Allele origin: germline.
Comment: The p.V167F variant (also known as c.499G>T), located in coding exon 6 of the BUB1 gene, results from a G to T substitution at nucleotide position 499. The valine at codon 167 is replaced by phenylalanine, an amino acid with highly similar properties. This amino acid position is conserved. In addition, this alteration is predicted to be tolerated by in silico analysis. Since supporting evidence is limited at this time, the clinical significance of this alteration remains unclear.

NM_004336.5(BUB1):c.499G>T (p.Val167Phe)

Gene: BUB1 (BUB1 mitotic checkpoint serine/threonine kinase; minus strand). Cytogenetic location: 2q13.
Variant type: single nucleotide variant.
Coding change: c.499G>T on transcript NM_004336.5 (MANE Select); coding-DNA position 499, G replaced by T.
Protein change: p.Val167Phe; replaces valine 167 with phenylalanine.
Molecular consequence: missense variant.
Genome position (GRCh38, 1-based): chr2:110,669,521, C>A on the plus strand (G>T on the coding strand, the complement: BUB1 is on the minus strand). VCF-style: chr2-110669521-C-A. GRCh37 (hg19) VCF-style: chr2-111427098-C-A.
Other names: c.439G>T, p.Val147Phe (NM_001278616.2); c.499G>T, p.Val167Phe (NM_001278617.2); short protein forms V147F, V167F.
Identifiers: ClinVar variation 3224103 (VCV003224103.1), dbSNP rs772759859, ClinGen allele CA1828333.